The following is an entry in ClinVar:

ClinVar aggregate classification (germline): Uncertain significance (1 of 4 stars; one submission).

Allele frequency attached by ClinVar (database versions not stated): gnomAD 0.00001 and 0.00002; gnomAD exomes 0.00001; TOPMed 0.00001; ExAC 0.00002.
gnomAD v4.1: 18 of 1,613,906 alleles (0.0011%); highest among the groups gnomAD compares: South Asian, 0.0066%; no homozygotes.

Submission:

Labcorp Genetics (formerly Invitae), Labcorp
Classification: Uncertain significance. Last evaluated: 2023-12-09. Review status: criteria provided, single submitter. Criteria: Invitae Variant Classification Sherloc (09022015). Collection method: clinical testing. Allele origin: germline.
Comment: This sequence change replaces arginine, which is basic and polar, with tryptophan, which is neutral and slightly polar, at codon 208 of the SNIP1 protein (p.Arg208Trp). The frequency data for this variant in the population databases is considered unreliable, as metrics indicate poor data quality at this position in the gnomAD database. This variant has not been reported in the literature in individuals affected with SNIP1-related conditions. ClinVar contains an entry for this variant (Variation ID: 1473532). Advanced modeling of protein sequence and biophysical properties (such as structural, functional, and spatial information, amino acid conservation, physicochemical variation, residue mobility, and thermodynamic stability) performed at Invitae indicates that this missense variant is not expected to disrupt SNIP1 protein function with a negative predictive value of 80%. In summary, the available evidence is currently insufficient to determine the role of this variant in disease. Therefore, it has been classified as a Variant of Uncertain Significance.

NM_024700.4(SNIP1):c.622C>T (p.Arg208Trp)

Genes: SNIP1 (Smad nuclear interacting protein 1; minus strand), LOC126805704 (BRD4-independent group 4 enhancer GRCh37_chr1:38005292-38006491; plus strand). Cytogenetic location: 1p34.3.
Variant type: single nucleotide variant.
Coding change: c.622C>T on transcript NM_024700.4 (MANE Select); coding-DNA position 622, C replaced by T.
Protein change: p.Arg208Trp; replaces arginine 208 with tryptophan.
Molecular consequence: missense variant.
Genome position (GRCh38, 1-based): chr1:37,540,461, G>A on the plus strand (C>T on the coding strand, the complement: SNIP1 is on the minus strand). VCF-style: chr1-37540461-G-A. GRCh37 (hg19) VCF-style: chr1-38006062-G-A.
Other names: short protein forms R208W.
Identifiers: ClinVar variation 1473532 (VCV001473532.8), dbSNP rs746942786, ClinGen allele CA771293.